The following is an entry in ClinVar:

ClinVar aggregate classification (germline): Uncertain significance (1 of 4 stars; one submission).

gnomAD v4.1: 1 of 1,559,440 alleles (0.000064%); no homozygotes.

Submission:

Labcorp Genetics (formerly Invitae), Labcorp
Classification: Uncertain significance. Last evaluated: 2021-11-28. Review status: criteria provided, single submitter. Criteria: Invitae Variant Classification Sherloc (09022015). Collection method: clinical testing. Allele origin: germline.
Comment: This sequence change replaces glutamic acid, which is acidic and polar, with lysine, which is basic and polar, at codon 476 of the FSCN2 protein (p.Glu476Lys). In summary, the available evidence is currently insufficient to determine the role of this variant in disease. Therefore, it has been classified as a Variant of Uncertain Significance. Algorithms developed to predict the effect of missense changes on protein structure and function (SIFT, PolyPhen-2, Align-GVGD) all suggest that this variant is likely to be disruptive. This variant has not been reported in the literature in individuals affected with FSCN2-related conditions. This variant is not present in population databases (gnomAD no frequency).

NM_012418.4(FSCN2):c.1354G>A (p.Glu452Lys)

Gene: FSCN2 (fascin actin-bundling protein 2, retinal; plus strand). Cytogenetic location: 17q25.3.
Variant type: single nucleotide variant.
Coding change: c.1354G>A on transcript NM_012418.4 (MANE Select); coding-DNA position 1354, G replaced by A.
Protein change: p.Glu452Lys; replaces glutamic acid 452 with lysine.
Molecular consequence: missense variant.
Genome position (GRCh38, 1-based): chr17:81,536,955, G>A. VCF-style: chr17-81536955-G-A. GRCh37 (hg19) VCF-style: chr17-79503981-G-A.
Other names: c.1426G>A, p.Glu476Lys (NM_001077182.3); short protein forms E476K, E452K.
Identifiers: ClinVar variation 1491492 (VCV001491492.6), dbSNP rs2032905867, ClinGen allele CA401478699.